The following is an entry in ClinVar:

NM_001042475.3(CEP85L):c.895T>C (p.Trp299Arg)

Gene: CEP85L (centrosomal protein 85L; minus strand). Cytogenetic location: 6q22.31.
Variant type: single nucleotide variant.
Coding change: c.895T>C on transcript NM_001042475.3 (MANE Select); coding-DNA position 895, T replaced by C.
Protein change: p.Trp299Arg; replaces tryptophan 299 with arginine.
Molecular consequence: missense variant.
Genome position (GRCh38, 1-based): chr6:118,565,654, A>G on the plus strand (T>C on the coding strand, the complement: CEP85L is on the minus strand). VCF-style: chr6-118565654-A-G. GRCh37 (hg19) VCF-style: chr6-118886817-A-G.
Other names: c.904T>C, p.Trp302Arg (NM_001178035.2); c.895T>C, p.Trp299Arg (NM_206921.3); short protein forms W299R, W302R.
Identifiers: ClinVar variation 2656886 (VCV002656886.24), dbSNP rs2534370920, ClinGen allele CA365548719.
Genomic context (GRCh38, chr6:118,565,654, plus strand): 5'-TGTAAGAATCCTCTGTATTTCTACCTTCCAAAGGATTTGTCCGCAGCTGCTCTGTAAGCC[A>G]CATCTGAGTCCTTACGGAAGGCTGAATGGGAACTCCACCTACTGCCTGTTGACCAAGCAT-3'
Protein context (NP_001035940.1, residues 289-309): PIQPSVRTQM[Trp299Arg]LTEQLRTNPL

ClinVar aggregate classification (germline): Uncertain significance (1 of 4 stars; one submission).

Submission:

CeGaT Center for Human Genetics Tuebingen
Classification: Uncertain significance. Last evaluated: 2022-05-01. Review status: criteria provided, single submitter. Criteria: CeGaT Center For Human Genetics Tuebingen Variant Classification Criteria Version 2. Collection method: clinical testing. Allele origin: germline. Affected: yes. Observed: 1 variant allele.
Comment: CEP85L: PM2